The following is an entry in ClinVar:

ClinVar aggregate classification (germline): Uncertain significance (1 of 4 stars; one submission).

Conditions:
Hereditary diffuse gastric adenocarcinoma (HDGC). Also called: DIFFUSE GASTRIC AND LOBULAR BREAST CANCER SYNDROME. Identifiers: Orphanet 26106, MedGen C1708349, MONDO:0007648, OMIM 137215.

Submission:

Labcorp Genetics (formerly Invitae), Labcorp
Classification: Uncertain significance for Hereditary diffuse gastric adenocarcinoma. Last evaluated: 2022-03-04. Review status: criteria provided, single submitter. Criteria: Invitae Variant Classification Sherloc (09022015). Collection method: clinical testing. Allele origin: germline.
Comment: This sequence change replaces aspartic acid, which is acidic and polar, with glutamic acid, which is acidic and polar, at codon 805 of the CDH1 protein (p.Asp805Glu). This variant is not present in population databases (gnomAD no frequency). This variant has not been reported in the literature in individuals affected with CDH1-related conditions. Algorithms developed to predict the effect of missense changes on protein structure and function are either unavailable or do not agree on the potential impact of this missense change (SIFT: "Tolerated"; PolyPhen-2: "Probably Damaging"; Align-GVGD: "Class C0"). In summary, the available evidence is currently insufficient to determine the role of this variant in disease. Therefore, it has been classified as a Variant of Uncertain Significance.

NM_004360.5(CDH1):c.2415T>G (p.Asp805Glu)

Gene: CDH1 (cadherin 1; plus strand). Cytogenetic location: 16q22.1.
Variant type: single nucleotide variant.
Coding change: c.2415T>G on transcript NM_004360.5 (MANE Select); coding-DNA position 2415, T replaced by G.
Protein change: p.Asp805Glu; replaces aspartic acid 805 with glutamic acid.
Molecular consequence: missense variant.
Genome position (GRCh38, 1-based): chr16:68,829,773, T>G. VCF-style: chr16-68829773-T-G. GRCh37 (hg19) VCF-style: chr16-68863676-T-G.
Other names: c.2232T>G, p.Asp744Glu (NM_001317184.2); c.867T>G, p.Asp289Glu (NM_001317185.2); c.450T>G, p.Asp150Glu (NM_001317186.2); short protein forms D744E, D805E, D150E, D289E.
Identifiers: ClinVar variation 1481081 (VCV001481081.6), dbSNP rs2152142443, ClinGen allele CA396471276.